The following is an entry in ClinVar:

ClinVar aggregate classification (germline): Conflicting classifications of pathogenicity. Review status: criteria provided, conflicting classifications (1 of 4 stars). 3 submissions from 3 submitters: Uncertain significance (2); Likely benign (1). Last evaluated 2024-06-14.

Conditions:
Ciliary dyskinesia, primary, 37 (CILD37). Also called: CILIARY DYSKINESIA, PRIMARY, 37, WITH OR WITHOUT SITUS INVERSUS. Identifiers: MedGen C4539798, MONDO:0033204, OMIM 617577.
Spermatogenic failure 18. Identifiers: MedGen C4539783, MONDO:0054615, OMIM 617576.

Allele frequency attached by ClinVar (database versions not stated): 1000 Genomes Project 30x 0.00031; 1000 Genomes Project 0.00040; ESP Exome Variant Server 0.00047.

Submissions (3):

Labcorp Genetics (formerly Invitae), Labcorp
Classification: Uncertain significance for Ciliary dyskinesia, primary, 37; Spermatogenic failure 18. Last evaluated: 2024-06-14. Review status: criteria provided, single submitter. Criteria: Invitae Variant Classification Sherloc (09022015). Collection method: clinical testing. Allele origin: germline.
Comment: This sequence change replaces arginine, which is basic and polar, with histidine, which is basic and polar, at codon 1001 of the DNAH1 protein (p.Arg1001His). This variant is present in population databases (rs200640418, gnomAD 0.09%). This variant has not been reported in the literature in individuals affected with DNAH1-related conditions. ClinVar contains an entry for this variant (Variation ID: 1301732). Algorithms developed to predict the effect of missense changes on protein structure and function output the following: SIFT: "Not Available"; PolyPhen-2: "Benign"; Align-GVGD: "Not Available". The histidine amino acid residue is found in multiple mammalian species, which suggests that this missense change does not adversely affect protein function. In summary, the available evidence is currently insufficient to determine the role of this variant in disease. Therefore, it has been classified as a Variant of Uncertain Significance.

Ambry Genetics
Classification: Uncertain significance. Last evaluated: 2021-08-02. Review status: criteria provided, single submitter. Criteria: Ambry Variant Classification Scheme 2023. Collection method: clinical testing. Allele origin: germline.

Dubai Health Genomic Medicine Center, Dubai Health
Classification: Likely benign for Ciliary dyskinesia, primary, 37. Last evaluated: 2020-03-17. Review status: criteria provided, single submitter. Criteria: ACMG Guidelines, 2015. Collection method: clinical testing. Allele origin: germline. Affected: yes.

NM_015512.5(DNAH1):c.3002G>A (p.Arg1001His)

Gene: DNAH1 (dynein axonemal heavy chain 1; plus strand). Cytogenetic location: 3p21.1.
Variant type: single nucleotide variant.
Coding change: c.3002G>A on transcript NM_015512.5 (MANE Select); coding-DNA position 3002, G replaced by A.
Protein change: p.Arg1001His; replaces arginine 1001 with histidine.
Molecular consequence: missense variant.
Genome position (GRCh38, 1-based): chr3:52,352,682, G>A. VCF-style: chr3-52352682-G-A. GRCh37 (hg19) VCF-style: chr3-52386698-G-A.
Other names: short protein forms R1001H.
Identifiers: ClinVar variation 1301732 (VCV001301732.9), dbSNP rs200640418, ClinGen allele CA2433451.